The following is an entry in ClinVar:

NM_000057.4(BLM):c.2268A>G (p.Lys756=)

Gene: BLM (BLM RecQ like helicase; plus strand). Cytogenetic location: 15q26.1.
Variant type: single nucleotide variant.
Coding change: c.2268A>G on transcript NM_000057.4 (MANE Select); coding-DNA position 2268, A replaced by G.
Protein change: p.Lys756=; no amino-acid change (lysine 756 retained).
Molecular consequence: synonymous variant.
Genome position (GRCh38, 1-based): chr15:90,766,984, A>G. VCF-style: chr15-90766984-A-G. GRCh37 (hg19) VCF-style: chr15-91310214-A-G.
Other names: p.K756K:AAA>AAG; p.Lys756=; c.2268A>G (LRG_20t1); c.2268A>G, p.Lys756= (NM_001287246.2, NM_001287247.2); c.1143A>G, p.Lys381= (NM_001287248.2).
Identifiers: ClinVar variation 136514 (VCV000136514.72), dbSNP rs146013879, ClinGen allele CA289699.

ClinVar aggregate classification (germline): Conflicting classifications of pathogenicity. Review status: criteria provided, conflicting classifications (1 of 4 stars). 16 submissions from 16 submitters: Uncertain significance (1); Benign (4); Likely benign (8). 3 of the submissions do not count toward it. Last evaluated 2026-09-01.

Conditions:
Hereditary cancer-predisposing syndrome. Also called: Neoplastic Syndromes, Hereditary; Tumor predisposition; Hereditary neoplastic syndrome; Hereditary Cancer Syndrome. Identifiers: Orphanet 140162, MedGen C0027672, MeSH D009386, MONDO:0015356.
Bloom syndrome (BLM). Also called: Bloom-Torre-Machacek syndrome. Identifiers: Orphanet 125, MedGen C0005859, MONDO:0008876, OMIM 210900.

Allele frequency attached by ClinVar (database versions not stated): ESP Exome Variant Server 0.00123; TOPMed 0.00157; gnomAD 0.00163 and 0.00164; 1000 Genomes Project 0.00180; 1000 Genomes Project 30x 0.00187; gnomAD exomes 0.00187 and 0.00237; ExAC 0.00198.
gnomAD v4.1: 3,687 of 1,599,836 alleles (0.23%); highest among the groups gnomAD compares: Middle Eastern, 0.5%; 5 homozygotes.

Submissions (16):

CeGaT Center for Human Genetics Tuebingen
Classification: Likely benign. Last evaluated: 2026-09-01. Review status: criteria provided, single submitter. Criteria: CeGaT Center For Human Genetics Tuebingen Variant Classification Criteria Version 2. Collection method: clinical testing. Allele origin: germline. Affected: yes. Observed: 36 variant alleles.
Comment: BLM: BP4, BP7

Labcorp Genetics (formerly Invitae), Labcorp
Classification: Benign for Bloom syndrome. Last evaluated: 2026-02-04. Review status: criteria provided, single submitter. Criteria: Invitae Variant Classification Sherloc (09022015). Collection method: clinical testing. Allele origin: germline.

Mayo Clinic Laboratories, Mayo Clinic
Classification: Likely benign. Last evaluated: 2025-10-08. Review status: criteria provided, single submitter. Criteria: ACMG Guidelines, 2015. Collection method: clinical testing. Allele origin: germline. Observed: 1 variant allele.
Comment: BS1, BP4, BP7

Blueprint Genetics
Classification: Likely benign. Last evaluated: 2024-11-21. Review status: criteria provided, single submitter. Criteria: ACMG Guidelines, 2015. Collection method: clinical testing. Allele origin: germline.

Women's Health and Genetics/Laboratory Corporation of America, LabCorp
Classification: Benign. Last evaluated: 2024-06-24. Review status: criteria provided, single submitter. Criteria: LabCorp Variant Classification Summary - May 2015. Collection method: clinical testing. Allele origin: germline.
Comment: Variant summary: BLM c.2268A>G alters a non-conserved nucleotide resulting in a synonymous change. Consensus agreement among computation tools predict no significant impact on normal splicing. However, these predictions have yet to be confirmed by functional studies. The variant allele was found at a frequency of 0.0023 in 1599836 control chromosomes, predominantly at a frequency of 0.004 within the South Asian subpopulation in the gnomAD database (gnomAD v4.1.0). The observed variant frequency within South Asian control individuals in the gnomAD database is approximately 1.13 fold of the estimated maximal expected allele frequency for a pathogenic variant in BLM causing Bloom Syndrome phenotype (0.0035). c.2268A>G has been reported in the literature in at least an individual from families with an accumulation of colorectal cancers or with only one sporadic case of very early onset colorectal cancer (example: Djursby_2020). These report(s) do not provide unequivocal conclusions about association of the variant with Bloom Syndrome. To our knowledge, no experimental evidence demonstrating an impact on protein function has been reported. The following publication have been ascertained in the context of this evaluation (PMID: 33193653). ClinVar contains an entry for this variant (Variation ID: 136514). Based on the evidence outlined above, the variant was classified as benign.

Quest Diagnostics Nichols Institute San Juan Capistrano
Classification: Benign. Last evaluated: 2022-10-07. Review status: criteria provided, single submitter. Criteria: Quest Diagnostics criteria. Collection method: clinical testing. Allele origin: unknown.

Genetic Services Laboratory, University of Chicago
Classification: Likely benign. Last evaluated: 2021-11-22. Review status: criteria provided, single submitter. Criteria: ACMG Guidelines, 2015. Collection method: clinical testing. Allele origin: germline. Affected: no.

Sema4
Classification: Likely benign for Hereditary cancer-predisposing syndrome. Last evaluated: 2021-07-13. Review status: criteria provided, single submitter. Criteria: Sema4 Curation Guidelines. Collection method: curation. Allele origin: germline.

Genome-Nilou Lab
Classification: Likely benign for Bloom syndrome. Last evaluated: 2021-05-18. Review status: criteria provided, single submitter. Criteria: ACMG Guidelines, 2015. Collection method: clinical testing. Allele origin: germline. Affected: no.

Illumina Laboratory Services, Illumina
Classification: Uncertain significance for Bloom syndrome. Last evaluated: 2018-01-12. Review status: criteria provided, single submitter. Criteria: ICSL Variant Classification Criteria 13 December 2019. Collection method: clinical testing. Allele origin: germline.

Ambry Genetics
Classification: Likely benign for Hereditary cancer-predisposing syndrome. Last evaluated: 2016-09-30. Review status: criteria provided, single submitter. Criteria: Ambry Variant Classification Scheme 2023. Collection method: clinical testing. Allele origin: germline.

Eurofins Ntd Llc (ga)
Classification: Likely benign. Last evaluated: 2016-02-24. Review status: criteria provided, single submitter. Criteria: EGL Classification Definitions 2015. Collection method: clinical testing. Allele origin: germline. Observed: 1 variant allele, 1 heterozygote.

GeneDx
Classification: Benign. Last evaluated: 2013-10-25. Review status: criteria provided, single submitter. Criteria: GeneDx Variant Classification (06012015). Collection method: clinical testing. Allele origin: germline. Affected: yes.
Comment: This variant is considered likely benign or benign based on one or more of the following criteria: it is a conservative change, it occurs at a poorly conserved position in the protein, it is predicted to be benign by multiple in silico algorithms, and/or has population frequency not consistent with disease.

Natera, Inc.
Classification: Likely benign for Bloom syndrome. Last evaluated: 2017-05-15. Review status: no assertion criteria provided. Collection method: clinical testing. Allele origin: germline. Not counted in ClinVar's aggregate classification.

Clinical Genetics DNA and cytogenetics Diagnostics Lab, Erasmus MC, Erasmus Medical Center
Classification: Likely benign. Review status: no assertion criteria provided. Collection method: clinical testing. Allele origin: germline. Affected: yes. Study: VKGL Data-share Consensus. Not counted in ClinVar's aggregate classification.

Genome Diagnostics Laboratory, University Medical Center Utrecht
Classification: Likely benign. Review status: no assertion criteria provided. Collection method: clinical testing. Allele origin: germline. Affected: yes. Study: VKGL Data-share Consensus. Not counted in ClinVar's aggregate classification.

Literature cited by the submitters: PubMed 33193653 (cited by Women's Health and Genetics/Laboratory Corporation of America, LabCorp).